The following is an entry in ClinVar:

ClinVar aggregate classification (germline): Uncertain significance (1 of 4 stars; one submission).

Conditions:
Dilated cardiomyopathy 1G (CMD1G). Identifiers: Orphanet 154, MedGen C1858763, MONDO:0011400, OMIM 604145.
Autosomal recessive limb-girdle muscular dystrophy type 2J (LGMDR10). Also called: MUSCULAR DYSTROPHY, LIMB-GIRDLE, AUTOSOMAL RECESSIVE 10; Limb-girdle muscular dystrophy, type 2J. Identifiers: Orphanet 140922, MedGen C1837342, MONDO:0012127, OMIM 608807.

Submission:

Labcorp Genetics (formerly Invitae), Labcorp
Classification: Uncertain significance for Dilated cardiomyopathy 1G; Autosomal recessive limb-girdle muscular dystrophy type 2J. Last evaluated: 2021-06-08. Review status: criteria provided, single submitter. Criteria: Invitae Variant Classification Sherloc (09022015). Collection method: clinical testing. Allele origin: germline.
Comment: In summary, the available evidence is currently insufficient to determine the role of this variant in disease. Therefore, it has been classified as a Variant of Uncertain Significance. Experimental studies and prediction algorithms are not available or were not evaluated, and the functional significance of this variant is currently unknown. This variant has not been reported in the literature in individuals with TTN-related conditions. This variant is not present in population databases (ExAC no frequency). This sequence change replaces serine with arginine at codon 34043 of the TTN protein (p.Ser34043Arg). There is a moderate physicochemical difference between serine and arginine. This variant is located in the M band of TTN (PMID: 25589632). Variants in this region may be relevant for neuromuscular disorders, but have not been definitively shown to cause cardiomyopathy (PMID: 23975875).

Literature cited by the submitters: PubMed 25589632; PubMed 23975875.

NM_001267550.2(TTN):c.102129C>A (p.Ser34043Arg)

Genes: TTN (titin; minus strand), TTN-AS1 (TTN antisense RNA 1; plus strand). Cytogenetic location: 2q31.2.
Variant type: single nucleotide variant.
Coding change: c.102129C>A on transcript NM_001267550.2 (MANE Select); coding-DNA position 102129, C replaced by A.
Protein change: p.Ser34043Arg; replaces serine 34043 with arginine.
Molecular consequence: missense variant.
Genome position (GRCh38, 1-based): chr2:178,534,486, G>T on the plus strand (C>A on the coding strand, the complement: TTN is on the minus strand). VCF-style: chr2-178534486-G-T. GRCh37 (hg19) VCF-style: chr2-179399213-G-T.
Other names: c.97206C>A, p.Ser32402Arg (NM_001256850.1); c.74934C>A, p.Ser24978Arg (NM_003319.4); c.94425C>A, p.Ser31475Arg (NM_133378.4); c.75309C>A, p.Ser25103Arg (NM_133432.3); c.75510C>A, p.Ser25170Arg (NM_133437.4); short protein forms S31475R, S32402R, S24978R, S25103R, S25170R, S34043R.
Identifiers: ClinVar variation 1432352 (VCV001432352.6), dbSNP rs2154135970, ClinGen allele CA349418295.